The following is an entry in ClinVar:

ClinVar aggregate classification (germline): Uncertain significance. Review status: reviewed by expert panel (3 of 4 stars). 4 submissions from 4 submitters: Uncertain significance (1). 3 of the submissions do not count toward it. Last evaluated 2024-08-22.

Conditions:
Marfan syndrome (MFS). Also called: FBN1-Related Marfan Syndrome; Marfan syndrome type 1; Marfan's syndrome; Marfan syndrome, classic; MARFAN SYNDROME, TYPE I. Identifiers: Orphanet 284963, Orphanet 558, MedGen C0024796, MONDO:0007947, OMIM 154700.
Familial thoracic aortic aneurysm and aortic dissection (TAAD). Also called: Thoracic aortic aneurysms and dissections. Identifiers: Orphanet 91387, MedGen C4707243, MONDO:0019625.

Submissions (4):

ClinGen FBN1 Variant Curation Expert Panel, ClinGen
Classification: Uncertain significance for Marfan syndrome. Last evaluated: 2024-08-22. Review status: reviewed by expert panel. Criteria: Assertion Criteria VCEP FBN1 Version 1. Collection method: curation. Allele origin: germline. Inheritance: Autosomal dominant inheritance.
Comment: NM_000138.5 c.6185A>G is a missense variant in FBN1 predicted to cause a substitution of a tyrosine by cysteine at amino acid 2062 (p.Tyr2062Cys). It has been reported 2 times in ClinVar as likely pathogenic (1) and of uncertain significance (1) (Variation ID: 547338). It is not present in gnomAD (PM2_supporting). This variant introduces a novel cysteine residue in a TGFβ binding-protein-like (TB) domain, in which cysteine residues are believed to form disulfide bridges involved in proper protein folding; however, the effect of a novel cysteine in this domain is uncertain. Computational prediction tools and conservation analysis are unclear about this variant’s predicted impact on the protein (REVEL = 0.608). The constraint z-score for missense variants affecting FBN1 is 8.2 (PP2; gnomAD v4.1.0). Due to the insufficient evidence, this variant is classified as uncertain significance for Marfan syndrome based on the ACMG/AMP criteria applied, as specified by the ClinGen FBN1 VCEP: PP2, PM2_supporting.

Blueprint Genetics
Classification: Uncertain significance. Last evaluated: 2021-02-09. Review status: criteria provided, single submitter. Criteria: ACMG Guidelines, 2015. Collection method: clinical testing. Allele origin: germline. Not counted in ClinVar's aggregate classification.

Ambry Genetics
Classification: Uncertain significance for Familial thoracic aortic aneurysm and aortic dissection. Last evaluated: 2017-07-03. Review status: criteria provided, single submitter. Criteria: Ambry Variant Classification Scheme 2023. Collection method: clinical testing. Allele origin: germline. Not counted in ClinVar's aggregate classification.
Comment: The p.Y2062C variant (also known as c.6185A>G), located in coding exon 50 of the FBN1 gene, results from an A to G substitution at nucleotide position 6185. The tyrosine at codon 2062 is replaced by cysteine, an amino acid with highly dissimilar properties, and is located in the TGFBP #06 domain. This amino acid position is not well conserved in available vertebrate species. In addition, the in silico prediction for this alteration is inconclusive. The majority of FBN1 mutations identified to date have involved the substitution or generation of cysteine residues within cbEGF domains (Vollbrandt T et al. J Biol Chem. 2004;279(31):32924-32931). However, since supporting evidence is limited at this time, the clinical significance of this variant remains unclear. Family studies may help to elucidate the clinical impact of this alteration.

ARUP Laboratories, Molecular Genetics and Genomics, ARUP Laboratories
Classification: Likely pathogenic. Last evaluated: 2017-05-18. Review status: criteria provided, single submitter. Criteria: ARUP Molecular Germline Variant Investigation Process. Collection method: clinical testing. Allele origin: germline. Not counted in ClinVar's aggregate classification.
Comment: The FBN1 c.6185A>G;p.Tyr2062Cys variant is not listed in the medical literature, gene-specific databases, or the ClinVar database. The variant is not listed in the dbSNP variant database or in the general population-based databases. This variant creates a cysteine residue adjacent to one of the EGF-like domains of fibrillin-1 (Wu 1995). Each EGF-like domain contains six highly-conserved cysteines and the disulfide bridges formed between these residues are essential for protein folding; creation of a novel cysteine may interfere with proper disulfide bridge formation, disrupting protein structure. Accordingly, the revised Ghent nosology for Marfan syndrome lists missense variants creating cysteine residues as one of the criteria for classification of a variant as pathogenic (Loeys 2010). Considering available information, this variant is classified as likely pathogenic. References: Loeys et al. The revised Ghent nosology for the Marfan syndrome. J. Med. Genet. 2010 47(7): 476-85. Wu et al. Fibrillin domain folding and calcium binding: significance to Marfan syndrome. Chem. Biol. 1995 2(2):91-7.

NM_000138.5(FBN1):c.6185A>G (p.Tyr2062Cys)

Gene: FBN1 (fibrillin 1; minus strand). Cytogenetic location: 15q21.1.
Variant type: single nucleotide variant.
Coding change: c.6185A>G on transcript NM_000138.5 (MANE Select); coding-DNA position 6185, A replaced by G.
Protein change: p.Tyr2062Cys; replaces tyrosine 2062 with cysteine.
Molecular consequence: missense variant.
Genome position (GRCh38, 1-based): chr15:48,437,896, T>C on the plus strand (A>G on the coding strand, the complement: FBN1 is on the minus strand). VCF-style: chr15-48437896-T-C. GRCh37 (hg19) VCF-style: chr15-48730093-T-C.
Other names: NM_000138.5(FBN1):c.6185A>G; short protein forms Y2062C.
Identifiers: ClinVar variation 618119 (VCV000618119.11), dbSNP rs1555395266, ClinGen allele CA392337255.
Genomic context (GRCh38, chr15:48,437,896, plus strand): 5'-TCCTGCTTGGAGTGATTTCTGGATTTGGGTGATGAACACTTTCCTCCTTCAAACTTCGCA[T>C]AACAGTAGCTCATTCGCAAATCTGCAGCATAAATTTATGACACCCTTCAGTTGCTTTCCT-3'
Protein context (NP_000129.3, residues 2052-2072): RCQDLRMSYC[Tyr2062Cys]AKFEGGKCSS